The following is an entry in ClinVar:

ClinVar aggregate classification (germline): Pathogenic/Likely pathogenic. Review status: criteria provided, multiple submitters, no conflicts (2 of 4 stars). 7 submissions from 7 submitters: Pathogenic (4); Likely pathogenic (3). Last evaluated 2024-03-22.

Conditions:
RAD51D-related disorder. Also called: RAD51D-related condition.
Hereditary breast ovarian cancer syndrome. Also called: Breast and ovarian cancer; BRCA1- and BRCA2-Associated Hereditary Breast and Ovarian Cancer; Hereditary breast and ovarian cancer syndrome; Hereditary breast and ovarian cancer syndrome (HBOC); Hereditary breast and/or ovarian cancer syndrome; Hereditary breast and ovarian cancer. Identifiers: Orphanet 145, MedGen C0677776, MeSH D061325, MONDO:0003582. Disease mechanism: loss of function.
Breast-ovarian cancer, familial, susceptibility to, 4. Identifiers: Orphanet 145, MedGen C3280345, MONDO:0013669, OMIM 614291.
Hereditary cancer-predisposing syndrome. Also called: Neoplastic Syndromes, Hereditary; Hereditary Cancer Syndrome; Tumor predisposition; Hereditary neoplastic syndrome. Identifiers: Orphanet 140162, MedGen C0027672, MeSH D009386, MONDO:0015356.

Allele frequency attached by ClinVar (database versions not stated): gnomAD exomes below 0.00001 and 0.00001; ExAC 0.00001.
gnomAD v4.1: 2 of 1,614,158 alleles (0.00012%); no homozygotes.

Submissions (7):

Blueprint Genetics
Classification: Likely pathogenic for RAD51D-related disorders. Last evaluated: 2024-03-22. Review status: criteria provided, single submitter. Criteria: ACMG Guidelines, 2015. Collection method: clinical testing. Allele origin: germline. Affected: yes. Observed: 1 variant allele.

Myriad Genetics, Inc.
Classification: Pathogenic for Breast-ovarian cancer, familial, susceptibility to, 4. Last evaluated: 2024-01-04. Review status: criteria provided, single submitter. Criteria: Myriad Autosomal Dominant, Autosomal Recessive and X-Linked Classification Criteria (2023). Collection method: clinical testing. Allele origin: unknown.
Comment: This variant is considered pathogenic. This variant creates a termination codon and is predicted to result in premature protein truncation.

Ambry Genetics
Classification: Pathogenic for Hereditary cancer-predisposing syndrome. Last evaluated: 2023-12-04. Review status: criteria provided, single submitter. Criteria: Ambry Variant Classification Scheme 2023. Collection method: clinical testing. Allele origin: germline.
Comment: The p.Q148* pathogenic mutation (also known as c.442C>T) located in coding exon 5 of the RAD51D gene, results from a C to T substitution at nucleotide position 442. This changes the amino acid from a glutamine to a stop codon within coding exon 5. This alteration is expected to result in loss of function by premature protein truncation or nonsense-mediated mRNA decay. As such, this alteration is interpreted as a disease-causing mutation.

Labcorp Genetics (formerly Invitae), Labcorp
Classification: Pathogenic for Breast-ovarian cancer, familial, susceptibility to, 4. Last evaluated: 2023-09-15. Review status: criteria provided, single submitter. Criteria: Invitae Variant Classification Sherloc (09022015). Collection method: clinical testing. Allele origin: germline.
Comment: For these reasons, this variant has been classified as Pathogenic. Algorithms developed to predict the effect of sequence changes on RNA splicing suggest that this variant may disrupt the consensus splice site. ClinVar contains an entry for this variant (Variation ID: 231972). This variant is also known as Q168*. This premature translational stop signal has been observed in individual(s) with ovarian cancer (PMID: 26689913). This variant is present in population databases (rs773906955, gnomAD 0.01%). This sequence change creates a premature translational stop signal (p.Gln148*) in the RAD51D gene. It is expected to result in an absent or disrupted protein product. Loss-of-function variants in RAD51D are known to be pathogenic (PMID: 21822267).

Women's Health and Genetics/Laboratory Corporation of America, LabCorp
Classification: Likely pathogenic for Hereditary breast ovarian cancer syndrome. Last evaluated: 2022-12-05. Review status: criteria provided, single submitter. Criteria: LabCorp Variant Classification Summary - May 2015. Collection method: clinical testing. Allele origin: germline.
Comment: Variant summary: RAD51D c.442C>T (p.Gln148X) results in a premature termination codon, predicted to cause a truncation of the encoded protein or absence of the protein due to nonsense mediated decay, which are commonly known mechanisms for disease. Truncations downstream of this position have been classified as pathogenic by our laboratory and associated with HBOC in HGMD. The variant allele was found at a frequency of 8e-06 in 251462 control chromosomes. c.442C>T has been reported in the literature in individuals affected with Hereditary Breast And Ovarian Cancer Syndrome (Zhu_2021, Lu_2015). To our knowledge, no experimental evidence demonstrating an impact on protein function has been reported. Four clinical diagnostic laboratories have submitted clinical-significance assessments for this variant to ClinVar after 2014 without evidence for independent evaluation. All laboratories classified the variant as likely pathogenic/pathogenic. Based on the evidence outlined above, the variant was classified as likely pathogenic.

Sema4
Classification: Likely pathogenic for Hereditary cancer-predisposing syndrome. Last evaluated: 2021-07-07. Review status: criteria provided, single submitter. Criteria: Sema4 Curation Guidelines. Collection method: curation. Allele origin: germline.
Comment: The RAD51D c.442C>T (p.Q148X) variant has been reported in at least one individual with ovarian cancer (PMID: 26689913). This variant creates a premature stop codon at residue 148 of the RAD51D protein. At this location, this is predicted to cause nonsense-mediated decay and result in an absent protein (loss of function). Loss of function variants in RAD51D are known to be pathogenic (PMID: 21822267). This variant was observed in 1/10080 chromosomes in the Ashkenazi Jewish population according to the Genome Aggregation Database (PMID: 32461654). This variant has been reported in ClinVar (Variation ID: 231972). Based on the current evidence available, this variant is interpreted as likely pathogenic.

GeneDx
Classification: Pathogenic. Last evaluated: 2018-07-09. Review status: criteria provided, single submitter. Criteria: GeneDx Variant Classification (06012015). Collection method: clinical testing. Allele origin: germline. Affected: yes.
Comment: This variant is denoted RAD51D c.442C>T at the cDNA level and p.Gln148Ter (Q148X) at the protein level. The substitution creates a nonsense variant, which changes a Glutamine to a premature stop codon (CAG>TAG), and is predicted to cause loss of normal protein function through either protein truncation or nonsense-mediated mRNA decay. Although this variant has not, to our knowledge, been reported in the literature, it is considered pathogenic.

Literature cited by the submitters: PubMed 26689913 (cited by 3 submitters); PubMed 21822267 (cited by Labcorp Genetics (formerly Invitae), Labcorp and Sema4); PubMed 33939675 (cited by Women's Health and Genetics/Laboratory Corporation of America, LabCorp).

NM_002878.4(RAD51D):c.442C>T (p.Gln148Ter)

Genes: RAD51D (RAD51 paralog D; minus strand), RAD51L3-RFFL (RAD51L3-RFFL readthrough; minus strand). Cytogenetic location: 17q12.
Variant type: single nucleotide variant.
Coding change: c.442C>T on transcript NM_002878.4 (MANE Select); coding-DNA position 442, C replaced by T.
Protein change: p.Gln148Ter; replaces glutamine 148 with a stop codon.
Molecular consequence: nonsense. On other transcripts: non-coding transcript variant (1), intron variant (1).
Genome position (GRCh38, 1-based): chr17:35,107,026, G>A on the plus strand (C>T on the coding strand, the complement: RAD51D is on the minus strand). VCF-style: chr17-35107026-G-A. GRCh37 (hg19) VCF-style: chr17-33434045-G-A.
Other names: c.502C>T, p.Gln168Ter (NM_001142571.2); c.145-545C>T (NM_133629.3); short protein forms Q148*, Q168*.
Identifiers: ClinVar variation 231972 (VCV000231972.15), dbSNP rs773906955, ClinGen allele CA8499475.
Genomic context (GRCh38, chr17:35,107,026, plus strand): 5'-GAACCCAGCATCCTGCCCTTACCTGTTCCTCCTCATCCTGGGTTTTAGCCTGAAGCAGCT[G>A]GAGGAGGCGGGAAGCTGTCAGCCCTCCATTGGAATCTACATATAGGACGTTTTGCTGCAG-3'